The following is an entry in ClinVar:

ClinVar aggregate classification (germline): Uncertain significance. Review status: criteria provided, multiple submitters, no conflicts (2 of 4 stars). 2 submissions from 2 submitters: Uncertain significance (2). Last evaluated 2025-08-10.

Conditions:
Inborn genetic diseases. Identifiers: MedGen C0950123, MeSH D030342.

Allele frequency attached by ClinVar (database versions not stated): gnomAD 0.00001; TOPMed 0.00002.
gnomAD v4.1: 2 of 1,613,168 alleles (0.00012%); highest among the groups gnomAD compares: African/African-American, 0.0013%; no homozygotes.

Submissions (2):

Ambry Genetics
Classification: Uncertain significance for Inborn genetic diseases. Last evaluated: 2025-08-10. Review status: criteria provided, single submitter. Criteria: Ambry Variant Classification Scheme 2023. Collection method: clinical testing. Allele origin: germline.

Labcorp Genetics (formerly Invitae), Labcorp
Classification: Uncertain significance. Last evaluated: 2021-03-21. Review status: criteria provided, single submitter. Criteria: Invitae Variant Classification Sherloc (09022015). Collection method: clinical testing. Allele origin: germline.
Comment: This variant is not present in population databases (ExAC no frequency). In summary, the available evidence is currently insufficient to determine the role of this variant in disease. Therefore, it has been classified as a Variant of Uncertain Significance. Algorithms developed to predict the effect of missense changes on protein structure and function (SIFT, PolyPhen-2, Align-GVGD) all suggest that this variant is likely to be tolerated, but these predictions have not been confirmed by published functional studies and their clinical significance is uncertain. This variant has not been reported in the literature in individuals with CWC27-related conditions. This sequence change replaces methionine with leucine at codon 281 of the CWC27 protein (p.Met281Leu). The methionine residue is moderately conserved and there is a small physicochemical difference between methionine and leucine.

NM_005869.4(CWC27):c.841A>T (p.Met281Leu)

Gene: CWC27 (CWC27 spliceosome associated cyclophilin; plus strand). Cytogenetic location: 5q12.3.
Variant type: single nucleotide variant.
Coding change: c.841A>T on transcript NM_005869.4 (MANE Select); coding-DNA position 841, A replaced by T.
Protein change: p.Met281Leu; replaces methionine 281 with leucine.
Molecular consequence: missense variant.
Genome position (GRCh38, 1-based): chr5:64,804,289, A>T. VCF-style: chr5-64804289-A-T. GRCh37 (hg19) VCF-style: chr5-64100116-A-T.
Other names: c.841A>T, p.Met281Leu (NM_001297644.1, NM_001297645.2, NM_001318000.2 and 1 more transcripts); c.841A>T (NM_005869.2); short protein forms M281L.
Identifiers: ClinVar variation 1516141 (VCV001516141.9), dbSNP rs915193174, ClinGen allele CA119784365.